The following is an entry in ClinVar:

NM_001256864.2(DNAJC6):c.149C>T (p.Pro50Leu)

Gene: DNAJC6 (DnaJ heat shock protein family (Hsp40) member C6; plus strand). Cytogenetic location: 1p31.3.
Variant type: single nucleotide variant.
Coding change: c.149C>T on transcript NM_001256864.2 (MANE Select); coding-DNA position 149, C replaced by T.
Protein change: p.Pro50Leu; replaces proline 50 with leucine.
Molecular consequence: missense variant. On other transcripts: intron variant (2).
Genome position (GRCh38, 1-based): chr1:65,309,894, C>T. VCF-style: chr1-65309894-C-T. GRCh37 (hg19) VCF-style: chr1-65775577-C-T.
Other names: c.-130-35717C>T (NM_001256865.2); c.22+44962C>T (NM_014787.4); short protein forms P50L.
Identifiers: ClinVar variation 2200270 (VCV002200270.4), dbSNP rs1460478602, ClinGen allele CA340663483.

ClinVar aggregate classification (germline): Uncertain significance (1 of 4 stars; one submission).

Conditions:
Juvenile onset Parkinson disease 19A. Also called: PARK19; DNAJC6 Parkinson Disease. Identifiers: Orphanet 391411, MedGen C3809811, MONDO:0014231, OMIM 615528.

Allele frequency attached by ClinVar (database versions not stated): gnomAD 0.00001; TOPMed 0.00001.

Submission:

Labcorp Genetics (formerly Invitae), Labcorp
Classification: Uncertain significance for Juvenile onset Parkinson disease 19A. Last evaluated: 2022-01-17. Review status: criteria provided, single submitter. Criteria: Invitae Variant Classification Sherloc (09022015). Collection method: clinical testing. Allele origin: germline.
Comment: This variant is not present in population databases (gnomAD no frequency). This variant has not been reported in the literature in individuals affected with DNAJC6-related conditions. Algorithms developed to predict the effect of missense changes on protein structure and function (SIFT, PolyPhen-2, Align-GVGD) all suggest that this variant is likely to be tolerated. In summary, the available evidence is currently insufficient to determine the role of this variant in disease. Therefore, it has been classified as a Variant of Uncertain Significance. This sequence change replaces proline, which is neutral and non-polar, with leucine, which is neutral and non-polar, at codon 50 of the DNAJC6 protein (p.Pro50Leu).